The following is an entry in ClinVar:

NM_001042545.2(LTBP4):c.3862G>A (p.Val1288Met)

Gene: LTBP4 (latent transforming growth factor beta binding protein 4; plus strand). Cytogenetic location: 19q13.2.
Variant type: single nucleotide variant.
Coding change: c.3862G>A on transcript NM_001042545.2 (MANE Select); coding-DNA position 3862, G replaced by A.
Protein change: p.Val1288Met; replaces valine 1288 with methionine.
Molecular consequence: missense variant.
Genome position (GRCh38, 1-based): chr19:40,625,886, G>A. VCF-style: chr19-40625886-G-A. GRCh37 (hg19) VCF-style: chr19-41131791-G-A.
Other names: c.4063G>A, p.Val1355Met (NM_001042544.1); c.3952G>A, p.Val1318Met (NM_003573.2); short protein forms V1318M, V1288M, V1355M.
Identifiers: ClinVar variation 1443919 (VCV001443919.3), dbSNP rs757747066, ClinGen allele CA9449162.

ClinVar aggregate classification (germline): Uncertain significance (1 of 4 stars; one submission).

Allele frequency attached by ClinVar (database versions not stated): gnomAD exomes 0.00001 and 0.00002; TOPMed 0.00002.
gnomAD v4.1: 14 of 1,597,496 alleles (0.00088%); highest among the groups gnomAD compares: Admixed American, 0.0087%; no homozygotes.

Submission:

Labcorp Genetics (formerly Invitae), Labcorp
Classification: Uncertain significance. Last evaluated: 2021-09-21. Review status: criteria provided, single submitter. Criteria: Invitae Variant Classification Sherloc (09022015). Collection method: clinical testing. Allele origin: germline.
Comment: This sequence change replaces valine with methionine at codon 1318 of the LTBP4 protein (p.Val1318Met). The valine residue is highly conserved and there is a small physicochemical difference between valine and methionine. The frequency data for this variant in the population databases is considered unreliable, as metrics indicate poor data quality at this position in the ExAC database. This variant has not been reported in the literature in individuals affected with LTBP4-related conditions. Experimental studies and prediction algorithms are not available or were not evaluated, and the functional significance of this variant is currently unknown. In summary, the available evidence is currently insufficient to determine the role of this variant in disease. Therefore, it has been classified as a Variant of Uncertain Significance.